The following is an entry in ClinVar:

ClinVar aggregate classification (germline): Uncertain significance (3 of 4 stars; one submission).

Conditions:
Open-angle glaucoma. Identifiers: MedGen C0017612, MONDO:0005338, HP:0012108.

Submission:

ClinGen Glaucoma Variant Curation Expert Panel
Classification: Uncertain significance for Open-angle glaucoma. Last evaluated: 2026-01-12. Review status: reviewed by expert panel. Criteria: ClinGen Glaucoma ACMG Specifications V2.0.0 Approved. Collection method: curation. Allele origin: germline. Inheritance: Autosomal dominant inheritance.
Comment: The c.1133A>G variant in MYOC is a missense variant predicted to cause substitution of Aspartate by Glycine at amino acid 378 (p.Asp378Gly). This variant was not found in any genetic ancestry group of gnomAD (v4.1.0), meeting the ≤ 0.0001 threshold set for PM2_Supporting in a genetic ancestry group of at least 10,000 alleles. The REVEL score = 0.95, which met the ≥ 0.932 threshold for PP3_Strong, predicting a damaging effect on MYOC function. There was no functional evidence predicting a damaging or benign impact of this variant on MYOC function. Only 1 proband with primary open angle glaucoma had been reported (PMID: 24825108), not meeting the ≥ 2 probands threshold required to meet PS4_Supporting. In summary, this variant met the criteria to receive a score of 5 and to be classified as a variant of uncertain significance (uncertain significance classification range -1 to 5, adapted from PMID: 32720330) for primary open angle glaucoma based on the ACMG/AMP criteria met, as specified by the ClinGen Glaucoma VCEP (v2.0.0, 5 Dec 2024): PP3_Strong, PM2_Supporting.

NM_000261.2(MYOC):c.1133A>G (p.Asp378Gly)

Gene: MYOC (myocilin; minus strand). Cytogenetic location: 1q24.3.
Variant type: single nucleotide variant.
Coding change: c.1133A>G on transcript NM_000261.2 (MANE Select); coding-DNA position 1133, A replaced by G.
Protein change: p.Asp378Gly; replaces aspartic acid 378 with glycine.
Molecular consequence: missense variant.
Genome position (GRCh38, 1-based): chr1:171,636,307, T>C on the plus strand (A>G on the coding strand, the complement: MYOC is on the minus strand). VCF-style: chr1-171636307-T-C. GRCh37 (hg19) VCF-style: chr1-171605447-T-C.
Other names: NM_000261.2:c.1133A>G; short protein forms D378G.
Identifiers: ClinVar variation 2442284 (VCV002442284.2), dbSNP rs2527839110, ClinGen allele CA343724596.